The following is an entry in ClinVar:

ClinVar aggregate classification (germline): Uncertain significance (1 of 4 stars; one submission).

Submission:

GeneDx
Classification: Uncertain significance. Last evaluated: 2023-01-31. Review status: criteria provided, single submitter. Criteria: GeneDx Variant Classification Process June 2021. Collection method: clinical testing. Allele origin: germline. Affected: yes.
Comment: Not observed at significant frequency in large population cohorts (gnomAD); In silico analysis supports that this missense variant does not alter protein structure/function; Has not been previously published as pathogenic or benign to our knowledge

NM_001046.3(SLC12A2):c.716T>A (p.Leu239His)

Gene: SLC12A2 (solute carrier family 12 member 2; plus strand). Cytogenetic location: 5q23.3.
Variant type: single nucleotide variant.
Coding change: c.716T>A on transcript NM_001046.3 (MANE Select); coding-DNA position 716, T replaced by A.
Protein change: p.Leu239His; replaces leucine 239 with histidine.
Molecular consequence: missense variant. On other transcripts: non-coding transcript variant (1).
Genome position (GRCh38, 1-based): chr5:128,084,670, T>A. VCF-style: chr5-128084670-T-A. GRCh37 (hg19) VCF-style: chr5-127420362-T-A.
Other names: c.716T>A, p.Leu239His (NM_001256461.2); short protein forms L239H.
Identifiers: ClinVar variation 1707350 (VCV001707350.2), dbSNP rs1423542401, ClinGen allele CA360737083.